The following is an entry in ClinVar:

ClinVar aggregate classification (germline): Likely pathogenic (1 of 4 stars; one submission).

Submission:

Labcorp Genetics (formerly Invitae), Labcorp
Classification: Likely pathogenic. Last evaluated: 2023-05-23. Review status: criteria provided, single submitter. Criteria: Invitae Variant Classification Sherloc (09022015). Collection method: clinical testing. Allele origin: germline.
Comment: This variant is not present in population databases (gnomAD no frequency). This sequence change affects a donor splice site in intron 65 of the ADGRV1 gene. It is expected to disrupt RNA splicing. Variants that disrupt the donor or acceptor splice site typically lead to a loss of protein function (PMID: 16199547), and loss-of-function variants in ADGRV1 are known to be pathogenic (PMID: 19357117, 22135276, 22147658, 26226137, 30718709, 31047384, 32467589). This variant has not been reported in the literature in individuals affected with ADGRV1-related conditions. Algorithms developed to predict the effect of sequence changes on RNA splicing suggest that this variant may disrupt the consensus splice site. In summary, the currently available evidence indicates that the variant is pathogenic, but additional data are needed to prove that conclusively. Therefore, this variant has been classified as Likely Pathogenic.

Literature cited by the submitters: PubMed 16199547; PubMed 19357117; PubMed 22135276; PubMed 22147658; PubMed 26226137; PubMed 30718709; PubMed 31047384; PubMed 32467589.

NM_032119.4(ADGRV1):c.13231+1G>A

Gene: ADGRV1 (adhesion G protein-coupled receptor V1; plus strand). Cytogenetic location: 5q14.3.
Variant type: single nucleotide variant.
Coding change: c.13231+1G>A on transcript NM_032119.4 (MANE Select); the canonical splice donor site of the intron after coding-DNA position 13231, G replaced by A.
Molecular consequence: splice donor variant.
Genome position (GRCh38, 1-based): chr5:90,781,579, G>A. VCF-style: chr5-90781579-G-A. GRCh37 (hg19) VCF-style: chr5-90077396-G-A.
Identifiers: ClinVar variation 2747884 (VCV002747884.3), dbSNP rs2531903536, ClinGen allele CA360392248.